The following is an entry in ClinVar:

ClinVar aggregate classification (germline): Uncertain significance. Review status: criteria provided, multiple submitters, no conflicts (2 of 4 stars). 2 submissions from 2 submitters: Uncertain significance (2). Last evaluated 2025-02-10.

Conditions:
Retinoblastoma (RB1). Also called: RETINOBLASTOMA, SOMATIC. Identifiers: Orphanet 790, MedGen C0035335, MeSH D012175, MONDO:0008380, OMIM 180200, HP:0009919. Disease mechanism: loss of function. Inheritance: Both sporadic and heritable forms are tested..
Hereditary cancer-predisposing syndrome. Also called: Neoplastic Syndromes, Hereditary; Tumor predisposition; Hereditary neoplastic syndrome; Hereditary Cancer Syndrome. Identifiers: Orphanet 140162, MedGen C0027672, MeSH D009386, MONDO:0015356.

Allele frequency attached by ClinVar (database versions not stated): gnomAD exomes below 0.00001.
gnomAD v4.1: 2 of 1,613,198 alleles (0.00012%); highest among the groups gnomAD compares: East Asian, 0.0022%; no homozygotes.

Submissions (2):

Labcorp Genetics (formerly Invitae), Labcorp
Classification: Uncertain significance for Retinoblastoma. Last evaluated: 2025-02-10. Review status: criteria provided, single submitter. Criteria: Invitae Variant Classification Sherloc (09022015). Collection method: clinical testing. Allele origin: germline.
Comment: This sequence change replaces tyrosine, which is neutral and polar, with cysteine, which is neutral and slightly polar, at codon 771 of the RB1 protein (p.Tyr771Cys). This variant is present in population databases (no rsID available, gnomAD 0.006%). This variant has not been reported in the literature in individuals affected with RB1-related conditions. ClinVar contains an entry for this variant (Variation ID: 3231218). Invitae Evidence Modeling of protein sequence and biophysical properties (such as structural, functional, and spatial information, amino acid conservation, physicochemical variation, residue mobility, and thermodynamic stability) indicates that this missense variant is expected to disrupt RB1 protein function with a positive predictive value of 80%. In summary, the available evidence is currently insufficient to determine the role of this variant in disease. Therefore, it has been classified as a Variant of Uncertain Significance.

Ambry Genetics
Classification: Uncertain significance for Hereditary cancer-predisposing syndrome. Last evaluated: 2023-12-20. Review status: criteria provided, single submitter. Criteria: Ambry Variant Classification Scheme 2023. Collection method: clinical testing. Allele origin: germline.
Comment: The p.Y771C variant (also known as c.2312A>G), located in coding exon 22 of the RB1 gene, results from an A to G substitution at nucleotide position 2312. The tyrosine at codon 771 is replaced by cysteine, an amino acid with highly dissimilar properties. This amino acid position is conserved. In addition, this alteration is predicted to be deleterious by in silico analysis. Since supporting evidence is limited at this time, the clinical significance of this alteration remains unclear.

NM_000321.3(RB1):c.2312A>G (p.Tyr771Cys)

Gene: RB1 (RB transcriptional corepressor 1; plus strand). Cytogenetic location: 13q14.2.
Variant type: single nucleotide variant.
Coding change: c.2312A>G on transcript NM_000321.3 (MANE Select); coding-DNA position 2312, A replaced by G.
Protein change: p.Tyr771Cys; replaces tyrosine 771 with cysteine.
Molecular consequence: missense variant.
Genome position (GRCh38, 1-based): chr13:48,465,098, A>G. VCF-style: chr13-48465098-A-G. GRCh37 (hg19) VCF-style: chr13-49039234-A-G.
Other names: c.2312A>G, p.Tyr771Cys (NM_001407165.1); short protein forms Y771C.
Identifiers: ClinVar variation 3231218 (VCV003231218.3), dbSNP rs1363146373, ClinGen allele CA388167709.